The following is an entry in ClinVar:

NM_001735.3(C5):c.881A>G (p.Asn294Ser)

Gene: C5 (complement C5; minus strand). Cytogenetic location: 9q33.2.
Variant type: single nucleotide variant.
Coding change: c.881A>G on transcript NM_001735.3 (MANE Select); coding-DNA position 881, A replaced by G.
Protein change: p.Asn294Ser; replaces asparagine 294 with serine.
Molecular consequence: missense variant.
Genome position (GRCh38, 1-based): chr9:121,025,573, T>C on the plus strand (A>G on the coding strand, the complement: C5 is on the minus strand). VCF-style: chr9-121025573-T-C. GRCh37 (hg19) VCF-style: chr9-123787851-T-C.
Other names: c.899A>G, p.Asn300Ser (NM_001317163.2); c.881A>G, p.Asn294Ser (NM_001317164.2); short protein forms N294S, N300S.
Identifiers: ClinVar variation 2065816 (VCV002065816.4), dbSNP rs1333733710, ClinGen allele CA374755451.

ClinVar aggregate classification (germline): Uncertain significance (1 of 4 stars; one submission).

Allele frequency attached by ClinVar (database versions not stated): TOPMed 0.00001; gnomAD 0.00002.
gnomAD v4.1: 3 of 1,612,076 alleles (0.00019%); highest among the groups gnomAD compares: African/African-American, 0.0027%; no homozygotes.

Submission:

Labcorp Genetics (formerly Invitae), Labcorp
Classification: Uncertain significance. Last evaluated: 2022-06-09. Review status: criteria provided, single submitter. Criteria: Invitae Variant Classification Sherloc (09022015). Collection method: clinical testing. Allele origin: germline.
Comment: In summary, the available evidence is currently insufficient to determine the role of this variant in disease. Therefore, it has been classified as a Variant of Uncertain Significance. Algorithms developed to predict the effect of missense changes on protein structure and function (SIFT, PolyPhen-2, Align-GVGD) all suggest that this variant is likely to be tolerated. This variant has not been reported in the literature in individuals affected with C5-related conditions. This variant is not present in population databases (gnomAD no frequency). This sequence change replaces asparagine, which is neutral and polar, with serine, which is neutral and polar, at codon 294 of the C5 protein (p.Asn294Ser).